The following is an entry in ClinVar:

ClinVar aggregate classification (germline): Conflicting classifications of pathogenicity. Review status: criteria provided, conflicting classifications (1 of 4 stars). 4 submissions from 4 submitters: Uncertain significance (1); Likely benign (3). Last evaluated 2025-12-06.

Conditions:
LOXHD1-related disorder. Also called: LOXHD1-related condition.
Autosomal recessive nonsyndromic hearing loss 77. Identifiers: Orphanet 90636, MedGen C2746083, MONDO:0013119, OMIM 613079.

Allele frequency attached by ClinVar (database versions not stated): ExAC 0.00017; gnomAD exomes 0.00020; ESP Exome Variant Server 0.00022; gnomAD 0.00022 and 0.00023; TOPMed 0.00022.
gnomAD v4.1: 483 of 1,551,962 alleles (0.031%); highest among the groups gnomAD compares: Middle Eastern, 0.18%; no homozygotes.

Submissions (4):

Labcorp Genetics (formerly Invitae), Labcorp
Classification: Likely benign. Last evaluated: 2025-12-06. Review status: criteria provided, single submitter. Criteria: Invitae Variant Classification Sherloc (09022015). Collection method: clinical testing. Allele origin: germline.

PreventionGenetics, part of Exact Sciences
Classification: Likely benign for LOXHD1-related condition. Last evaluated: 2024-10-28. Review status: criteria provided, single submitter. Criteria: ACMG Guidelines, 2015. Collection method: clinical testing. Allele origin: germline.
Comment: This variant is classified as likely benign based on ACMG/AMP sequence variant interpretation guidelines (Richards et al. 2015 PMID: 25741868, with internal and published modifications).

Illumina Laboratory Services, Illumina
Classification: Uncertain significance for Autosomal recessive nonsyndromic hearing loss 77. Last evaluated: 2018-01-13. Review status: criteria provided, single submitter. Criteria: ICSL Variant Classification Criteria 13 December 2019. Collection method: clinical testing. Allele origin: germline.

Laboratory for Molecular Medicine, Mass General Brigham Personalized Medicine
Classification: Likely benign. Last evaluated: 2012-04-30. Review status: criteria provided, single submitter. Criteria: LMM Criteria. Collection method: clinical testing. Allele origin: germline. Observed: 1 variant allele.
Comment: Leu741Leu in Exon 16 of LOXHD1: This variant is not expected to have clinical si gnificance because it does not alter an amino acid residue, is not located withi n the splice consensus sequence, and has been identified in 1/2532 European Amer ican chromosomes from a broad population by the NHLBI Exome Sequencing Project.

NM_001384474.1(LOXHD1):c.2223C>T (p.Leu741=)

Gene: LOXHD1 (lipoxygenase homology PLAT domains 1; minus strand). Cytogenetic location: 18q21.1.
Variant type: single nucleotide variant.
Coding change: c.2223C>T on transcript NM_001384474.1 (MANE Select); coding-DNA position 2223, C replaced by T.
Protein change: p.Leu741=; no amino-acid change (leucine 741 retained).
Molecular consequence: synonymous variant.
Genome position (GRCh38, 1-based): chr18:46,569,463, G>A on the plus strand (C>T on the coding strand, the complement: LOXHD1 is on the minus strand). VCF-style: chr18-46569463-G-A. GRCh37 (hg19) VCF-style: chr18-44149426-G-A.
Other names: c.2223C>T, p.Leu741= (NM_144612.7).
Identifiers: ClinVar variation 47927 (VCV000047927.19), dbSNP rs199595156, ClinGen allele CA142202.